The following is an entry in ClinVar:

ClinVar aggregate classification (germline): Pathogenic (1 of 4 stars; one submission).

Conditions:
Primary ciliary dyskinesia. Also called: Ciliary dyskinesia. Identifiers: Orphanet 244, MedGen C0008780, MONDO:0016575, HP:0012265.

Submission:

Labcorp Genetics (formerly Invitae), Labcorp
Classification: Pathogenic for Primary ciliary dyskinesia. Last evaluated: 2022-06-19. Review status: criteria provided, single submitter. Criteria: Invitae Variant Classification Sherloc (09022015). Collection method: clinical testing. Allele origin: germline.
Comment: This sequence change creates a premature translational stop signal (p.Ser31*) in the DNAI1 gene. It is expected to result in an absent or disrupted protein product. Loss-of-function variants in DNAI1 are known to be pathogenic (PMID: 16858015, 29363216). This variant is not present in population databases (gnomAD no frequency). This variant has not been reported in the literature in individuals affected with DNAI1-related conditions. For these reasons, this variant has been classified as Pathogenic.

Literature cited by the submitters: PubMed 16858015; PubMed 29363216.

NM_012144.4(DNAI1):c.92C>G (p.Ser31Ter)

Gene: DNAI1 (dynein axonemal intermediate chain 1; plus strand). Cytogenetic location: 9p13.3.
Variant type: single nucleotide variant.
Coding change: c.92C>G on transcript NM_012144.4 (MANE Select); coding-DNA position 92, C replaced by G.
Protein change: p.Ser31Ter; replaces serine 31 with a stop codon.
Molecular consequence: nonsense.
Genome position (GRCh38, 1-based): chr9:34,485,152, C>G. VCF-style: chr9-34485152-C-G. GRCh37 (hg19) VCF-style: chr9-34485150-C-G.
Other names: c.92C>G, p.Ser31Ter (NM_001281428.2); short protein forms S31*.
Identifiers: ClinVar variation 2008295 (VCV002008295.4), dbSNP rs2492025436, ClinGen allele CA373241807.